The following is an entry in ClinVar:

ClinVar aggregate classification (germline): Uncertain significance (1 of 4 stars; one submission).

gnomAD v4.1: 9 of 1,613,516 alleles (0.00056%); highest among the groups gnomAD compares: Admixed American, 0.013%; no homozygotes.

Submission:

Ambry Genetics
Classification: Uncertain significance. Last evaluated: 2025-06-04. Review status: criteria provided, single submitter. Criteria: Ambry Variant Classification Scheme 2023. Collection method: clinical testing. Allele origin: germline.
Comment: The p.G1099R variant (also known as c.3295G>A), located in coding exon 12 of the CDK12 gene, results from a G to A substitution at nucleotide position 3295. The glycine at codon 1099 is replaced by arginine, an amino acid with dissimilar properties. This amino acid position is conserved. In addition, the in silico prediction for this alteration is inconclusive. Based on the available evidence, the clinical significance of this variant remains unclear.

NM_016507.4(CDK12):c.3295G>A (p.Gly1099Arg)

Gene: CDK12 (cyclin dependent kinase 12; plus strand). Cytogenetic location: 17q12.
Variant type: single nucleotide variant.
Coding change: c.3295G>A on transcript NM_016507.4 (MANE Select); coding-DNA position 3295, G replaced by A.
Protein change: p.Gly1099Arg; replaces glycine 1099 with arginine.
Molecular consequence: missense variant.
Genome position (GRCh38, 1-based): chr17:39,524,873, G>A. VCF-style: chr17-39524873-G-A. GRCh37 (hg19) VCF-style: chr17-37681126-G-A.
Other names: c.3295G>A, p.Gly1099Arg (NM_015083.4); short protein forms G1099R.
Identifiers: ClinVar variation 3999533 (VCV003999533.1).
Genomic context (GRCh38, chr17:39,524,873, plus strand): 5'-GTGAAGAACAGCAGCCCAGCACCACCTCAGCCTGCTCCTGGCAAGGTGGAGTCTGGGGCT[G>A]GGGATGCAATAGGTCAGTGCCAGAATGGGGCCTTTGTGCTTTTGCTAAGCGTATTTGGCA-3'
Protein context (NP_057591.2, residues 1089-1109): PAPGKVESGA[Gly1099Arg]DAIGLADITQ